The following is an entry in ClinVar:

NM_017780.4(CHD7):c.6276G>A (p.Glu2092=)

Gene: CHD7 (chromodomain helicase DNA binding protein 7; plus strand). Cytogenetic location: 8q12.2.
Variant type: single nucleotide variant.
Coding change: c.6276G>A on transcript NM_017780.4 (MANE Select); coding-DNA position 6276, G replaced by A.
Protein change: p.Glu2092=; no amino-acid change (glutamic acid 2092 retained).
Molecular consequence: synonymous variant. On other transcripts: intron variant (1).
Genome position (GRCh38, 1-based): chr8:60,853,001, G>A. VCF-style: chr8-60853001-G-A. GRCh37 (hg19) VCF-style: chr8-61765560-G-A.
Other names: p.Glu2092=; c.1717-9228G>A (NM_001316690.1).
Identifiers: ClinVar variation 95802 (VCV000095802.47), dbSNP rs2068096, ClinGen allele CA148873.

ClinVar aggregate classification (germline): Benign. Review status: criteria provided, multiple submitters, no conflicts (2 of 4 stars). 16 submissions from 16 submitters: Benign (13). 3 of the submissions do not count toward it. Last evaluated 2026-02-04.

Conditions:
Inborn genetic diseases. Identifiers: MedGen C0950123, MeSH D030342.
Hypogonadotropic hypogonadism 5 with or without anosmia (KAL5). Also called: CHD7-Related GnRH Deficiency (Kallmann Syndrome 5); HYPOGONADOTROPIC HYPOGONADISM 5 WITH ANOSMIA; HYPOGONADOTROPHIC HYPOGONADISM 5 WITHOUT ANOSMIA. Identifiers: Orphanet 478, MedGen C3552553, MONDO:0012880, OMIM 612370. Disease mechanism: loss of function.
CHARGE syndrome (CHARGE). Also called: CHARGE ASSOCIATION--COLOBOMA, HEART ANOMALY, CHOANAL ATRESIA, RETARDATION, GENITAL AND EAR ANOMALIES; Hittner Hirsch Kreh syndrome; Coloboma, heart anomaly, choanal atresia, retardation, genital and ear anomalies; CHARGE association; Hall-Hittner syndrome. Identifiers: Orphanet 138, MedGen C0265354, MONDO:0008965.

Allele frequency attached by ClinVar (database versions not stated): ExAC 0.06568; ESP Exome Variant Server 0.11991; 1000 Genomes Project 0.12420; 1000 Genomes Project 30x 0.12898; gnomAD 0.11920 and 0.12528; TOPMed 0.12283.
gnomAD v4.1: 86,186 of 1,613,912 alleles (5.3%); highest among the groups gnomAD compares: African/African-American, 31%; 5,201 homozygotes.

Submissions (16):

Labcorp Genetics (formerly Invitae), Labcorp
Classification: Benign for CHARGE syndrome. Last evaluated: 2026-02-04. Review status: criteria provided, single submitter. Criteria: Invitae Variant Classification Sherloc (09022015). Collection method: clinical testing. Allele origin: germline.

Blueprint Genetics
Classification: Benign. Last evaluated: 2024-11-27. Review status: criteria provided, single submitter. Criteria: ACMG Guidelines, 2015. Collection method: clinical testing. Allele origin: germline.

Mayo Clinic Laboratories, Mayo Clinic
Classification: Benign. Last evaluated: 2022-03-09. Review status: criteria provided, single submitter. Criteria: ACMG Guidelines, 2015. Collection method: clinical testing. Allele origin: germline. Observed: 49 variant alleles.

ARUP Laboratories, Molecular Genetics and Genomics, ARUP Laboratories
Classification: Benign. Last evaluated: 2018-08-24. Review status: criteria provided, single submitter. Criteria: ARUP Molecular Germline Variant Investigation Process. Collection method: clinical testing. Allele origin: germline.

Athena Diagnostics
Classification: Benign. Last evaluated: 2018-07-25. Review status: criteria provided, single submitter. Criteria: Athena Diagnostics Criteria. Collection method: clinical testing. Allele origin: germline.

Illumina Laboratory Services, Illumina
Classification: Benign for Kallmann Syndrome 5. Last evaluated: 2018-01-13. Review status: criteria provided, single submitter. Criteria: ICSL Variant Classification Criteria 13 December 2019. Collection method: clinical testing. Allele origin: germline.
Comment: This variant was observed in the ICSL laboratory as part of a predisposition screen in an ostensibly healthy population. It had not been previously curated by ICSL or reported in the Human Gene Mutation Database (HGMD: prior to June 1st, 2018), and was therefore a candidate for classification through an automated scoring system. Utilizing variant allele frequency, disease prevalence and penetrance estimates, and inheritance mode, an automated score was calculated to assess if this variant is too frequent to cause the disease. Based on the score and internal cut-off values, a variant classified as benign is not then subjected to further curation. The score for this variant resulted in a classification of benign for this disease.

Laboratory for Molecular Medicine, Mass General Brigham Personalized Medicine
Classification: Benign. Last evaluated: 2017-08-23. Review status: criteria provided, single submitter. Criteria: LMM Criteria. Collection method: clinical testing. Allele origin: germline. Observed: 35 variant alleles.
Comment: p.Glu2092Glu in exon 31 of CHD7: This variant is not expected to have clinical s ignificance because it does not alter an amino acid residue, is not located with in the splice consensus sequence, and has been identified in 30.76% (3016/9804) of African chromosomes by the Exome Aggregation Consortium (ExAC; dbSNP rs2068096).

Ambry Genetics
Classification: Benign for Inborn genetic diseases. Last evaluated: 2016-03-16. Review status: criteria provided, single submitter. Criteria: Ambry Variant Classification Scheme 2023. Collection method: clinical testing. Allele origin: germline.

Eurofins Ntd Llc (ga)
Classification: Benign. Last evaluated: 2015-08-03. Review status: criteria provided, single submitter. Criteria: EGL Classification Definitions 2015. Collection method: clinical testing. Allele origin: germline. Observed: 21 variant alleles, 17 heterozygotes, 4 homozygotes.

GeneDx
Classification: Benign. Last evaluated: 2015-03-03. Review status: criteria provided, single submitter. Criteria: GeneDx Variant Classification Process June 2021. Collection method: clinical testing. Allele origin: germline. Affected: yes.

Genetic Services Laboratory, University of Chicago
Classification: Benign. Last evaluated: 2013-02-08. Review status: criteria provided, single submitter. Criteria: ACMG Guidelines, 2007. Collection method: clinical testing. Allele origin: germline. Inheritance: Autosomal dominant inheritance.

Breakthrough Genomics
Classification: Benign. Review status: criteria provided, single submitter. Criteria: ACMG Guidelines, 2015. Collection method: not provided. Allele origin: germline. Inheritance: Autosomal dominant inheritance. Affected: yes.

PreventionGenetics, part of Exact Sciences
Classification: Benign. Review status: criteria provided, single submitter. Criteria: ACMG Guidelines, 2015. Collection method: clinical testing. Allele origin: germline.

Clinical Genetics DNA and cytogenetics Diagnostics Lab, Erasmus MC, Erasmus Medical Center
Classification: Benign. Review status: no assertion criteria provided. Collection method: clinical testing. Allele origin: germline. Affected: yes. Study: VKGL Data-share Consensus. Not counted in ClinVar's aggregate classification.

Clinical Genetics, Academic Medical Center
Classification: Benign. Review status: no assertion criteria provided. Collection method: clinical testing. Allele origin: germline. Affected: yes. Study: VKGL Data-share Consensus. Not counted in ClinVar's aggregate classification.

Joint Genome Diagnostic Labs from Nijmegen and Maastricht, Radboudumc and MUMC+
Classification: Benign. Review status: no assertion criteria provided. Collection method: clinical testing. Allele origin: germline. Affected: yes. Study: VKGL Data-share Consensus. Not counted in ClinVar's aggregate classification.